The following is an entry in ClinVar:

NM_001386140.1(MTTP):c.1019A>G (p.Lys340Arg)

Gene: MTTP (microsomal triglyceride transfer protein; plus strand). Cytogenetic location: 4q23.
Variant type: single nucleotide variant.
Coding change: c.1019A>G on transcript NM_001386140.1 (MANE Select); coding-DNA position 1019, A replaced by G.
Protein change: p.Lys340Arg; replaces lysine 340 with arginine.
Molecular consequence: missense variant.
Genome position (GRCh38, 1-based): chr4:99,597,176, A>G. VCF-style: chr4-99597176-A-G. GRCh37 (hg19) VCF-style: chr4-100518333-A-G.
Other names: c.1019A>G, p.Lys340Arg (NM_000253.4); c.770A>G, p.Lys257Arg (NM_001300785.2); short protein forms K257R, K340R.
Identifiers: ClinVar variation 2189653 (VCV002189653.2), dbSNP rs141952915, ClinGen allele CA3022005.

ClinVar aggregate classification (germline): Uncertain significance (1 of 4 stars; one submission).

Allele frequency attached by ClinVar (database versions not stated): gnomAD exomes below 0.00001; gnomAD 0.00001; ExAC 0.00002; TOPMed 0.00002; ESP Exome Variant Server 0.00008.
gnomAD v4.1: 8 of 1,613,934 alleles (0.0005%); highest among the groups gnomAD compares: African/African-American, 0.0013%; no homozygotes.

Submission:

Labcorp Genetics (formerly Invitae), Labcorp
Classification: Uncertain significance. Last evaluated: 2024-11-05. Review status: criteria provided, single submitter. Criteria: Invitae Variant Classification Sherloc (09022015). Collection method: clinical testing. Allele origin: germline.
Comment: This sequence change replaces lysine, which is basic and polar, with arginine, which is basic and polar, at codon 340 of the MTTP protein (p.Lys340Arg). This variant is present in population databases (rs141952915, gnomAD 0.007%). This variant has not been reported in the literature in individuals affected with MTTP-related conditions. ClinVar contains an entry for this variant (Variation ID: 2189653). Invitae Evidence Modeling of protein sequence and biophysical properties (such as structural, functional, and spatial information, amino acid conservation, physicochemical variation, residue mobility, and thermodynamic stability) indicates that this missense variant is not expected to disrupt MTTP protein function with a negative predictive value of 80%. In summary, the available evidence is currently insufficient to determine the role of this variant in disease. Therefore, it has been classified as a Variant of Uncertain Significance.